The following is an entry in ClinVar:

NM_004006.3(DMD):c.7252C>T (p.Gln2418Ter)

Gene: DMD (dystrophin; minus strand). Cytogenetic location: Xp21.1.
Variant type: single nucleotide variant.
Coding change: c.7252C>T on transcript NM_004006.3 (MANE Select); coding-DNA position 7252, C replaced by T.
Protein change: p.Gln2418Ter; replaces glutamine 2418 with a stop codon.
Molecular consequence: nonsense. On other transcripts: 5 prime UTR variant (5).
Genome position (GRCh38, 1-based): chrX:31,820,032, G>A on the plus strand (C>T on the coding strand, the complement: DMD is on the minus strand). VCF-style: chrX-31820032-G-A. GRCh37 (hg19) VCF-style: chrX-31838149-G-A.
Other names: c.7228C>T, p.Gln2410Ter (NM_000109.4); c.7240C>T, p.Gln2414Ter (NM_004009.3); c.6883C>T, p.Gln2295Ter (NM_004010.3); c.3229C>T, p.Gln1077Ter (NM_004011.4); c.3220C>T, p.Gln1074Ter (NM_004012.4); c.-129C>T (NM_004013.3, NM_004020.4, NM_004021.3 and 2 more transcripts); short protein forms Q2418*, Q1074*, Q2295*, Q2410*, Q1077*, Q2414*.
Identifiers: ClinVar variation 582905 (VCV000582905.15), dbSNP rs1569451994, ClinGen allele CA412658573.
Genomic context (GRCh38, chrX:31,820,032, plus strand): 5'-TACAGGCTCCAATAGTGGTCAGTCCAGGAGCTAGGTCAGGCTGCTTTGCCCTCAGCTCTT[G>A]AAGTAAACGGTTTACCGCCTTCCACTCAGAGCTCAGATCTTCTAACTTCCTCTTTAACAG-3'

ClinVar aggregate classification (germline): Pathogenic. Review status: criteria provided, multiple submitters, no conflicts (2 of 4 stars). 2 submissions from 2 submitters: Pathogenic (2). Last evaluated 2026-01-25.

Conditions:
Duchenne muscular dystrophy (DMD). Also called: MUSCULAR DYSTROPHY, PSEUDOHYPERTROPHIC PROGRESSIVE, DUCHENNE TYPE; Duchenne Muscular Dystrophy (DMD). Identifiers: Orphanet 98896, MedGen C0013264, MONDO:0010679, OMIM 310200.

Submissions (2):

Labcorp Genetics (formerly Invitae), Labcorp
Classification: Pathogenic for Duchenne muscular dystrophy. Last evaluated: 2026-01-25. Review status: criteria provided, single submitter. Criteria: Invitae Variant Classification Sherloc (09022015). Collection method: clinical testing. Allele origin: germline.
Comment: This sequence change creates a premature translational stop signal (p.Gln2418*) in the DMD gene. It is expected to result in an absent or disrupted protein product. Loss-of-function variants in DMD are known to be pathogenic (PMID: 16770791, 25007885). This variant is not present in population databases (gnomAD no frequency). This premature translational stop signal has been observed in individuals with clinical features of DMD-related muscular dystrophy (internal data). ClinVar contains an entry for this variant (Variation ID: 582905). For these reasons, this variant has been classified as Pathogenic.

Eurofins Ntd Llc (ga)
Classification: Pathogenic. Last evaluated: 2018-01-26. Review status: criteria provided, single submitter. Criteria: EGL Classification Definitions 2015. Collection method: clinical testing. Allele origin: germline. Observed: 1 variant allele, 1 hemizygote.

Literature cited by the submitters: PubMed 16770791 (cited by Labcorp Genetics (formerly Invitae), Labcorp); PubMed 25007885 (cited by Labcorp Genetics (formerly Invitae), Labcorp).